The following is an entry in ClinVar:

NM_000465.4(BARD1):c.866C>T (p.Pro289Leu)

Gene: BARD1 (BRCA1 associated RING domain 1; minus strand). Cytogenetic location: 2q35.
Variant type: single nucleotide variant.
Coding change: c.866C>T on transcript NM_000465.4 (MANE Select); coding-DNA position 866, C replaced by T.
Protein change: p.Pro289Leu; replaces proline 289 with leucine.
Molecular consequence: missense variant. On other transcripts: non-coding transcript variant (2), intron variant (3).
Genome position (GRCh38, 1-based): chr2:214,781,008, G>A on the plus strand (C>T on the coding strand, the complement: BARD1 is on the minus strand). VCF-style: chr2-214781008-G-A. GRCh37 (hg19) VCF-style: chr2-215645732-G-A.
Other names: c.809C>T, p.Pro270Leu (NM_001282543.2); c.158+28404C>T (NM_001282548.2); c.215+16053C>T (NM_001282545.2); c.364+11289C>T (NM_001282549.2); c.866C>T (NM_000465.2); short protein forms P270L, P289L.
Identifiers: ClinVar variation 1476926 (VCV001476926.11), dbSNP rs748019195, ClinGen allele CA2090370.

ClinVar aggregate classification (germline): Uncertain significance. Review status: criteria provided, multiple submitters, no conflicts (2 of 4 stars). 4 submissions from 4 submitters: Uncertain significance (4). Last evaluated 2025-07-28.

Conditions:
Hereditary cancer-predisposing syndrome. Also called: Neoplastic Syndromes, Hereditary; Hereditary Cancer Syndrome; Tumor predisposition; Hereditary neoplastic syndrome. Identifiers: Orphanet 140162, MedGen C0027672, MeSH D009386, MONDO:0015356.
Familial cancer of breast. Also called: hereditary breast carcinoma; BREAST CANCER, FAMILIAL; Hereditary breast cancer. Identifiers: Orphanet 227535, MedGen C0346153, MONDO:0016419, OMIM 114480. Disease mechanism: loss of function.

Allele frequency attached by ClinVar (database versions not stated): gnomAD exomes 0.00001; ExAC 0.00002.
gnomAD v4.1: 3 of 1,612,922 alleles (0.00019%); highest among the groups gnomAD compares: Admixed American, 0.005%; no homozygotes.

Submissions (4):

Color Diagnostics, LLC DBA Color Health
Classification: Uncertain significance for Hereditary cancer-predisposing syndrome. Last evaluated: 2025-07-28. Review status: criteria provided, single submitter. Criteria: ACMG Guidelines, 2015. Collection method: clinical testing. Allele origin: germline.
Comment: This missense variant replaces proline with leucine at codon 289 of the BARD1 protein. Computational prediction suggests that this variant may not impact protein structure and function. To our knowledge, functional studies have not been reported for this variant. This variant has not been reported in individuals affected with BARD1-related disorders in the literature. This variant has been identified in 3/249662 chromosomes in the general population by the Genome Aggregation Database (gnomAD). The available evidence is insufficient to determine the role of this variant in disease conclusively. Therefore, this variant is classified as a Variant of Uncertain Significance.

Labcorp Genetics (formerly Invitae), Labcorp
Classification: Uncertain significance for Familial cancer of breast. Last evaluated: 2024-07-30. Review status: criteria provided, single submitter. Criteria: Invitae Variant Classification Sherloc (09022015). Collection method: clinical testing. Allele origin: germline.
Comment: This sequence change replaces proline, which is neutral and non-polar, with leucine, which is neutral and non-polar, at codon 289 of the BARD1 protein (p.Pro289Leu). This variant is present in population databases (rs748019195, gnomAD 0.009%). This variant has not been reported in the literature in individuals affected with BARD1-related conditions. ClinVar contains an entry for this variant (Variation ID: 1476926). An algorithm developed to predict the effect of missense changes on protein structure and function (PolyPhen-2) suggests that this variant is likely to be tolerated. In summary, the available evidence is currently insufficient to determine the role of this variant in disease. Therefore, it has been classified as a Variant of Uncertain Significance.

Baylor Genetics
Classification: Uncertain significance for Familial cancer of breast. Last evaluated: 2023-11-19. Review status: criteria provided, single submitter. Criteria: ACMG Guidelines, 2015. Collection method: clinical testing. Allele origin: unknown.

Ambry Genetics
Classification: Uncertain significance for Hereditary cancer-predisposing syndrome. Last evaluated: 2023-09-21. Review status: criteria provided, single submitter. Criteria: Ambry Variant Classification Scheme 2023. Collection method: clinical testing. Allele origin: germline.
Comment: The p.P289L variant (also known as c.866C>T), located in coding exon 4 of the BARD1 gene, results from a C to T substitution at nucleotide position 866. The proline at codon 289 is replaced by leucine, an amino acid with similar properties. This amino acid position is conserved. In addition, this alteration is predicted to be tolerated by in silico analysis. Since supporting evidence is limited at this time, the clinical significance of this alteration remains unclear.